The following is an entry in ClinVar:

NM_016333.4(SRRM2):c.7393C>G (p.Gln2465Glu)

Gene: SRRM2 (serine/arginine repetitive matrix 2; plus strand). Cytogenetic location: 16p13.3.
Variant type: single nucleotide variant.
Coding change: c.7393C>G on transcript NM_016333.4 (MANE Select); coding-DNA position 7393, C replaced by G.
Protein change: p.Gln2465Glu; replaces glutamine 2465 with glutamic acid.
Molecular consequence: missense variant.
Genome position (GRCh38, 1-based): chr16:2,767,921, C>G. VCF-style: chr16-2767921-C-G. GRCh37 (hg19) VCF-style: chr16-2817922-C-G.
Other names: short protein forms Q2465E.
Identifiers: ClinVar variation 2580730 (VCV002580730.2), dbSNP rs2505615460, ClinGen allele CA394429520.

ClinVar aggregate classification (germline): Uncertain significance (1 of 4 stars; one submission).

Submission:

GeneDx
Classification: Uncertain significance. Last evaluated: 2026-02-01. Review status: criteria provided, single submitter. Criteria: GeneDx Variant Classification Process June 2021. Collection method: clinical testing. Allele origin: germline.
Comment: Not observed at significant frequency in large population cohorts (gnomAD); In silico analysis suggests that this missense variant does not alter protein structure/function; Has not been previously published as pathogenic or benign to our knowledge